The following is an entry in ClinVar:

NM_004525.3(LRP2):c.13819G>C (p.Glu4607Gln)

Gene: LRP2 (LDL receptor related protein 2; minus strand). Cytogenetic location: 2q31.1.
Variant type: single nucleotide variant.
Coding change: c.13819G>C on transcript NM_004525.3 (MANE Select); coding-DNA position 13819, G replaced by C.
Protein change: p.Glu4607Gln; replaces glutamic acid 4607 with glutamine.
Molecular consequence: missense variant.
Genome position (GRCh38, 1-based): chr2:169,128,812, C>G on the plus strand (G>C on the coding strand, the complement: LRP2 is on the minus strand). VCF-style: chr2-169128812-C-G. GRCh37 (hg19) VCF-style: chr2-169985322-C-G.
Other names: short protein forms E4607Q.
Identifiers: ClinVar variation 1469801 (VCV001469801.8), dbSNP rs1325911888, ClinGen allele CA349148761.

ClinVar aggregate classification (germline): Uncertain significance (1 of 4 stars; one submission).

Allele frequency attached by ClinVar (database versions not stated): TOPMed below 0.00001; gnomAD 0.00001.
gnomAD v4.1: 2 of 1,613,926 alleles (0.00012%); highest among the groups gnomAD compares: East Asian, 0.0022%; no homozygotes.

Submission:

Labcorp Genetics (formerly Invitae), Labcorp
Classification: Uncertain significance. Last evaluated: 2021-07-24. Review status: criteria provided, single submitter. Criteria: Invitae Variant Classification Sherloc (09022015). Collection method: clinical testing. Allele origin: germline.
Comment: This sequence change replaces glutamic acid with glutamine at codon 4607 of the LRP2 protein (p.Glu4607Gln). The glutamic acid residue is weakly conserved and there is a small physicochemical difference between glutamic acid and glutamine. This variant is not present in population databases (ExAC no frequency). This variant has not been reported in the literature in individuals affected with LRP2-related conditions. Advanced modeling of protein sequence and biophysical properties (such as structural, functional, and spatial information, amino acid conservation, physicochemical variation, residue mobility, and thermodynamic stability) performed at Invitae indicates that this missense variant is not expected to disrupt LRP2 protein function. In summary, the available evidence is currently insufficient to determine the role of this variant in disease. Therefore, it has been classified as a Variant of Uncertain Significance.